The following is an entry in ClinVar:

ClinVar aggregate classification (germline): Pathogenic (1 of 4 stars; one submission).

Conditions:
Hereditary cancer-predisposing syndrome. Also called: Neoplastic Syndromes, Hereditary; Tumor predisposition; Hereditary Cancer Syndrome; Hereditary neoplastic syndrome. Identifiers: Orphanet 140162, MedGen C0027672, MeSH D009386, MONDO:0015356.

Submission:

Molecular Diagnostics Laboratory, Catalan Institute of Oncology
Classification: Pathogenic for Hereditary cancer-predisposing syndrome. Last evaluated: 2025-02-12. Review status: criteria provided, single submitter. Criteria: ClinGen BRCA1BRCA2 ACMG Specifications BRCA1 V1.0.0. Collection method: clinical testing. Allele origin: germline.
Comment: PVS1, PM5_PTC_Strong c.844_850dup, located in exon 10 (11 according BIC nomenclature) of the BRCA1 gene, consists in the deletion of 7 nucleotides, causing a translational frameshift with a predicted alternate stop codon, p.(Gln284Leufs*5). This alteration is expected to result in loss of function by premature protein truncation and nonsense-mediated mRNA decay (PVS1, PM5_PTC_Strong). No effect is predicted on splicing by SpliceAI. It is not present in the population database gnomAD v2.1.1, non cancer dataset. To our knowledge, neither relevant clinical data nor well-stablished functional studies have been reported for this variant. In addition, the variant was also identified in the following databases: BRCA Exchange (Pathogenic: Variant allele predicted to encode a truncated non-functional protein), ClinVar (1x uncertain significance, 15x pathogenic) and LOVD (10x pathogenic). Based on the currently available information, c.844_850dup is classified as a pathogenic variant according to ClinGen-BRCA1 Guidelines version v1.0.0.

NM_007294.4(BRCA1):c.848_849insCTCATTA (p.Leu283fs)

Gene: BRCA1 (BRCA1 DNA repair associated; minus strand). Cytogenetic location: 17q21.31.
Variant type: Insertion.
Coding change: c.848_849insCTCATTA on transcript NM_007294.4 (MANE Select); coding-DNA positions 848 to 849, CTCATTA inserted.
Protein change: p.Leu283fs; shifts the reading frame from leucine 283.
Molecular consequence: frameshift variant. On other transcripts: intron variant (137), 5 prime UTR variant (2).
Genome position: GRCh38 VCF-style: chr17-43094682-T-TTAATGAG. GRCh37 (hg19) VCF-style: chr17-41246699-T-TTAATGAG.
Other names: c.707_708insCTCATTA, p.Leu236fs (NM_001407944.1, NM_001407942.1, NM_001407945.1 and 29 more transcripts); c.515_516insCTCATTA, p.Leu172fs (NM_001407947.1, NM_001407946.1, NM_001407948.1 and 6 more transcripts); c.704_705insCTCATTA, p.Leu235fs (NM_001407943.1, NM_001407740.1, NM_001407741.1 and 20 more transcripts); c.661+61_661+62insCTCATTA (NM_001408432.1, NM_001408450.1, NM_001408434.1 and 6 more transcripts); c.667+1163_667+1164insCTCATTA (NM_001408431.1, NM_001408424.1, NM_001408421.1); c.784+61_784+62insCTCATTA (NM_001408407.1, NM_001408402.1, NM_001408473.1 and 13 more transcripts); c.664+61_664+62insCTCATTA (NM_001408443.1, NM_001408439.1, NM_001408425.1 and 12 more transcripts); c.670+1163_670+1164insCTCATTA (NM_001408419.1, NM_001408422.1, NM_001408418.1 and 2 more transcripts); and 40 more; short protein forms L115fs, L155fs, L156fs, L171fs, L172fs, L194fs, L195fs, L212fs.
Identifiers: ClinVar variation 3893678 (VCV003893678.1).
Genomic context (GRCh38, chr17:43,094,682, plus strand): 5'-TTCAGCCTTTTCTACATTCATTCTGTCTTTAGTGAGTAATAAACTGCTGTTCTCATGCTG[T>TTAATGAG]AATGAGCTGGCATGAGTATTTGTGCCACATGGCTCCACATGCAAGTTTGAAACAGAACTA-3'